The following is an entry in ClinVar:

NM_006790.3(MYOT):c.532C>T (p.Arg178Cys)

Genes: MYOT (myotilin; plus strand), PKD2L2-DT (PKD2L2 divergent transcript; minus strand). Cytogenetic location: 5q31.2.
Variant type: single nucleotide variant.
Coding change: c.532C>T on transcript NM_006790.3 (MANE Select); coding-DNA position 532, C replaced by T.
Protein change: p.Arg178Cys; replaces arginine 178 with cysteine.
Molecular consequence: missense variant. On other transcripts: 5 prime UTR variant (1).
Genome position (GRCh38, 1-based): chr5:137,877,520, C>T. VCF-style: chr5-137877520-C-T. GRCh37 (hg19) VCF-style: chr5-137213209-C-T.
Other names: c.-21C>T (NM_001135940.2); c.187C>T, p.Arg63Cys (NM_001300911.2); short protein forms R178C, R63C.
Identifiers: ClinVar variation 2040423 (VCV002040423.29), dbSNP rs764677626, ClinGen allele CA3422945.

ClinVar aggregate classification (germline): Uncertain significance. Review status: criteria provided, multiple submitters, no conflicts (2 of 4 stars). 5 submissions from 5 submitters: Uncertain significance (5). Last evaluated 2025-04-29.

Conditions:
Inborn genetic diseases. Identifiers: MedGen C0950123, MeSH D030342.
Myofibrillar myopathy 3 (MFM3). Also called: Muscular dystrophy, proximal, type 1A; Autosomal dominant spheroid body myopathy. Identifiers: Orphanet 266, Orphanet 268129, MedGen C3714934, MONDO:0012215, OMIM 609200.

Allele frequency attached by ClinVar (database versions not stated): gnomAD 0.00001; gnomAD exomes 0.00001; ExAC 0.00002; TOPMed 0.00002.
gnomAD v4.1: 15 of 1,602,352 alleles (0.00094%); highest among the groups gnomAD compares: African/African-American, 0.0027%; no homozygotes.

Submissions (5):

Women's Health and Genetics/Laboratory Corporation of America, LabCorp
Classification: Uncertain significance. Last evaluated: 2025-04-29. Review status: criteria provided, single submitter. Criteria: LabCorp Variant Classification Summary - May 2015. Collection method: clinical testing. Allele origin: germline.
Comment: Variant summary: MYOT c.532C>T (p.Arg178Cys) results in a non-conservative amino acid change in the encoded protein sequence. Four of five in-silico tools predict a damaging effect of the variant on protein function. Consensus agreement among computation tools predict no significant impact on normal splicing. However, these predictions have yet to be confirmed by functional studies. The variant allele was found at a frequency of 2.4e-05 in 251438 control chromosomes. The available data on variant occurrences in the general population are insufficient to allow any conclusion about variant significance. To our knowledge, no occurrence of c.532C>T in individuals affected with Spheroid Body Myopathy and no experimental evidence demonstrating its impact on protein function have been reported. ClinVar contains an entry for this variant (Variation ID: 2040423). Based on the evidence outlined above, the variant was classified as uncertain significance.

Labcorp Genetics (formerly Invitae), Labcorp
Classification: Uncertain significance for Myofibrillar myopathy 3. Last evaluated: 2024-05-02. Review status: criteria provided, single submitter. Criteria: Invitae Variant Classification Sherloc (09022015). Collection method: clinical testing. Allele origin: germline.
Comment: This sequence change replaces arginine, which is basic and polar, with cysteine, which is neutral and slightly polar, at codon 178 of the MYOT protein (p.Arg178Cys). This variant is present in population databases (rs764677626, gnomAD 0.007%). This variant has not been reported in the literature in individuals affected with MYOT-related conditions. ClinVar contains an entry for this variant (Variation ID: 2040423). An algorithm developed to predict the effect of missense changes on protein structure and function (PolyPhen-2) suggests that this variant is likely to be disruptive. In summary, the available evidence is currently insufficient to determine the role of this variant in disease. Therefore, it has been classified as a Variant of Uncertain Significance.

CeGaT Center for Human Genetics Tuebingen
Classification: Uncertain significance. Last evaluated: 2024-05-01. Review status: criteria provided, single submitter. Criteria: CeGaT Center For Human Genetics Tuebingen Variant Classification Criteria Version 2. Collection method: clinical testing. Allele origin: germline. Affected: yes. Observed: 1 variant allele.

Blueprint Genetics
Classification: Uncertain significance. Last evaluated: 2023-06-27. Review status: criteria provided, single submitter. Criteria: ACMG Guidelines, 2015. Collection method: clinical testing. Allele origin: germline.

Ambry Genetics
Classification: Uncertain significance for Inborn genetic diseases. Last evaluated: 2022-04-07. Review status: criteria provided, single submitter. Criteria: Ambry Variant Classification Scheme 2023. Collection method: clinical testing. Allele origin: germline.